The following is an entry in ClinVar:

ClinVar aggregate classification (germline): Uncertain significance (1 of 4 stars; one submission).

Conditions:
Kohlschutter-Tonz syndrome-like. Also called: DEN HOED-DE BOER-VOISIN SYNDROME. Identifiers: MedGen C5543202, MONDO:0030990, OMIM 619229.
Developmental delay with dysmorphic facies and dental anomalies. Identifiers: MedGen C5543197, MONDO:0030988, OMIM 619228.

Submission:

Clinical Genomics Laboratory, Washington University in St. Louis
Classification: Uncertain significance for Kohlschutter-Tonz syndrome-like; Developmental delay with dysmorphic facies and dental anomalies. Last evaluated: 2025-02-07. Review status: criteria provided, single submitter. Criteria: ACMG Guidelines, 2015. Collection method: clinical testing. Allele origin: germline.
Comment: The SATB1 c.767T>G (p.Leu256Arg) variant, to our knowledge, has not been reported in the medical literature and is absent from the general population (gnomAD v.4.1.0), indicating it is not a common variant. This variant resides immediately downstream of the CUT-like domain, amino acids 175-248, that is defined as a critical functional domain for DNA binding (Wang Z et al., PMID: 25124042). This region is highly constrained for missense variation (gnomAD v2.1.1), but computational predictors are uncertain as to the impact of this variant on SATB1 function. Due to limited information, and based on ACMG/AMP guidelines for variant interpretation (Richards S et al., PMID: 25741868), the clinical significance of this variant is uncertain at this time.

NM_002971.6(SATB1):c.767T>G (p.Leu256Arg)

Gene: SATB1 (SATB homeobox 1; minus strand). Cytogenetic location: 3p24.3.
Variant type: single nucleotide variant.
Coding change: c.767T>G on transcript NM_002971.6 (MANE Select); coding-DNA position 767, T replaced by G.
Protein change: p.Leu256Arg; replaces leucine 256 with arginine.
Molecular consequence: missense variant.
Genome position (GRCh38, 1-based): chr3:18,394,901, A>C on the plus strand (T>G on the coding strand, the complement: SATB1 is on the minus strand). VCF-style: chr3-18394901-A-C. GRCh37 (hg19) VCF-style: chr3-18436393-A-C.
Other names: c.767T>G, p.Leu256Arg (NM_001131010.4, NM_001195470.3, NM_001322871.2 and 4 more transcripts); c.551T>G, p.Leu184Arg (NM_001322876.2); short protein forms L184R, L256R.
Identifiers: ClinVar variation 4279928 (VCV004279928.1).